The following is an entry in ClinVar:

ClinVar aggregate classification (germline): Uncertain significance (1 of 4 stars; one submission).

Conditions:
Severe combined immunodeficiency due to DNA-PKcs deficiency. Also called: IMMUNODEFICIENCY 26 WITH NEUROLOGIC ABNORMALITIES; Immunodeficiency 26 with or without neurologic abnormalities. Identifiers: Orphanet 317425, MedGen C4014833, MONDO:0014423, OMIM 615966.

Submission:

Labcorp Genetics (formerly Invitae), Labcorp
Classification: Uncertain significance for Severe combined immunodeficiency due to DNA-PKcs deficiency. Last evaluated: 2022-08-22. Review status: criteria provided, single submitter. Criteria: Invitae Variant Classification Sherloc (09022015). Collection method: clinical testing. Allele origin: germline.
Comment: In summary, the available evidence is currently insufficient to determine the role of this variant in disease. Therefore, it has been classified as a Variant of Uncertain Significance. This sequence change replaces serine, which is neutral and polar, with asparagine, which is neutral and polar, at codon 3191 of the PRKDC protein (p.Ser3191Asn). This variant is not present in population databases (gnomAD no frequency). This variant has not been reported in the literature in individuals affected with PRKDC-related conditions. Experimental studies and prediction algorithms are not available or were not evaluated, and the functional significance of this variant is currently unknown.

NM_006904.7(PRKDC):c.9572G>A (p.Ser3191Asn)

Gene: PRKDC (protein kinase, DNA-activated, catalytic subunit; minus strand). Cytogenetic location: 8q11.21.
Variant type: single nucleotide variant.
Coding change: c.9572G>A on transcript NM_006904.7 (MANE Select); coding-DNA position 9572, G replaced by A.
Protein change: p.Ser3191Asn; replaces serine 3191 with asparagine.
Molecular consequence: missense variant.
Genome position (GRCh38, 1-based): chr8:47,807,312, C>T on the plus strand (G>A on the coding strand, the complement: PRKDC is on the minus strand). VCF-style: chr8-47807312-C-T. GRCh37 (hg19) VCF-style: chr8-48719873-C-T.
Other names: c.9572G>A, p.Ser3191Asn (NM_001081640.2); short protein forms S3191N.
Identifiers: ClinVar variation 1717699 (VCV001717699.5), dbSNP rs2551863844, ClinGen allele CA371137791.
Genomic context (GRCh38, chr8:47,807,312, plus strand): 5'-TCTTGATCCACATTCATACTATTATCTTCTGGAAGAGGGGTAAGCTTCTCCTCTATTTTG[C>T]TGAGAAAGAAACATCTACACAAAGAAAAATGAGACAATGTCACAGACTCAGGAATAGGAA-3'
Protein context (NP_008835.5, residues 3181-3201): DIITNRCFFL[Ser3191Asn]KIEEKLTPLP